The following is an entry in ClinVar:

NM_001793.6(CDH3):c.*195G>T

Gene: CDH3 (cadherin 3; plus strand). Cytogenetic location: 16q22.1.
Variant type: single nucleotide variant.
Coding change: c.*195G>T on transcript NM_001793.6 (MANE Select); 195 bases downstream of the stop codon, G replaced by T.
Molecular consequence: 3 prime UTR variant.
Genome position (GRCh38, 1-based): chr16:68,698,595, G>T. VCF-style: chr16-68698595-G-T. GRCh37 (hg19) VCF-style: chr16-68732498-G-T.
Other names: c.*428G>T (NM_001317195.3); c.*195G>T (NM_001317196.2).
Identifiers: ClinVar variation 884929 (VCV000884929.6), dbSNP rs114591853, ClinGen allele CA283291762.

ClinVar aggregate classification (germline): Benign/Likely benign. Review status: criteria provided, multiple submitters, no conflicts (2 of 4 stars). 2 submissions from 2 submitters: Benign (1); Likely benign (1). Last evaluated 2021-01-29.

Conditions:
EEM syndrome (EEMS). Identifiers: Orphanet 1897, MedGen C1857041, MONDO:0009155, OMIM 225280.

Allele frequency attached by ClinVar (database versions not stated): gnomAD 0.00491 and 0.00526; 1000 Genomes Project 0.00539; TOPMed 0.00546; 1000 Genomes Project 30x 0.00593.
gnomAD v4.1: 1,006 of 604,718 alleles (0.17%); highest among the groups gnomAD compares: African/African-American, 1.6%; 10 homozygotes.

Submissions (2):

GeneDx
Classification: Likely benign. Last evaluated: 2021-01-29. Review status: criteria provided, single submitter. Criteria: GeneDx Variant Classification Process June 2021. Collection method: clinical testing. Allele origin: germline. Affected: yes.

Illumina Laboratory Services, Illumina
Classification: Benign for EEM syndrome. Last evaluated: 2018-01-13. Review status: criteria provided, single submitter. Criteria: ICSL Variant Classification Criteria 13 December 2019. Collection method: clinical testing. Allele origin: germline.
Comment: This variant was observed in the ICSL laboratory as part of a predisposition screen in an ostensibly healthy population. It had not been previously curated by ICSL or reported in the Human Gene Mutation Database (HGMD: prior to June 1st, 2018), and was therefore a candidate for classification through an automated scoring system. Utilizing variant allele frequency, disease prevalence and penetrance estimates, and inheritance mode, an automated score was calculated to assess if this variant is too frequent to cause the disease. Based on the score and internal cut-off values, a variant classified as benign is not then subjected to further curation. The score for this variant resulted in a classification of benign for this disease.